The following is an entry in ClinVar:

ClinVar aggregate classification (germline): Pathogenic. Review status: criteria provided, single submitter (1 of 4 stars). 2 submissions from 2 submitters: Pathogenic (1). 1 of the submissions does not count toward it. Last evaluated 2024-01-11.

Conditions:
Inborn genetic diseases. Identifiers: MedGen C0950123, MeSH D030342.
Short stature and advanced bone age, with or without early-onset osteoarthritis and/or osteochondritis dissecans (SSOAOD). Identifiers: Orphanet 251262, MedGen C3665488, MONDO:0100462, OMIM 165800.

Submissions (2):

Ambry Genetics
Classification: Pathogenic for Inborn genetic diseases. Last evaluated: 2024-01-11. Review status: criteria provided, single submitter. Criteria: Ambry Variant Classification Scheme 2023. Collection method: clinical testing. Allele origin: germline.
Comment: The c.361C>T (p.Q121*) alteration, located in exon 3 (coding exon 2) of the ACAN gene, consists of a C to T substitution at nucleotide position 361. This changes the amino acid from a glutamine (Q) to a stop codon at amino acid position 121. This alteration is expected to result in loss of function by premature protein truncation or nonsense-mediated mRNA decay. This variant was not reported in population-based cohorts in the Genome Aggregation Database (gnomAD). Based on the available evidence, this alteration is classified as pathogenic.

Autoinflammatory diseases unit, CHU de Montpellier
Classification: Likely pathogenic for Short stature and advanced bone age, with or without early-onset osteoarthritis and/or osteochondritis dissecans. Last evaluated: 2024-03-29. Review status: no assertion criteria provided. Collection method: clinical testing. Allele origin: inherited. Affected: yes. Not counted in ClinVar's aggregate classification.

NM_001369268.1(ACAN):c.361C>T (p.Gln121Ter)

Gene: ACAN (aggrecan; plus strand). Cytogenetic location: 15q26.1.
Variant type: single nucleotide variant.
Coding change: c.361C>T on transcript NM_001369268.1 (MANE Select); coding-DNA position 361, C replaced by T.
Protein change: p.Gln121Ter; replaces glutamine 121 with a stop codon.
Molecular consequence: nonsense.
Genome position (GRCh38, 1-based): chr15:88,838,953, C>T. VCF-style: chr15-88838953-C-T. GRCh37 (hg19) VCF-style: chr15-89382184-C-T.
Other names: c.361C>T, p.Gln121Ter (NM_001135.4, NM_001411096.1, NM_001411097.1 and 1 more transcripts); short protein forms Q121*.
Identifiers: ClinVar variation 3135175 (VCV003135175.2), dbSNP rs2505223192, ClinGen allele CA393716289.